The following is an entry in ClinVar:

ClinVar aggregate classification (germline): Pathogenic/Likely pathogenic. Review status: criteria provided, multiple submitters, no conflicts (2 of 4 stars). 3 submissions from 3 submitters: Pathogenic (2); Likely pathogenic (1). Last evaluated 2025-06-20.

Conditions:
Mitochondrial trifunctional protein deficiency 1 (MTPD1). Identifiers: MedGen CN376812, MONDO:0958181, OMIM 609015.
Mitochondrial trifunctional protein deficiency. Identifiers: Orphanet 746, MedGen C1969443, MONDO:0012172.

Allele frequency attached by ClinVar (database versions not stated): gnomAD exomes below 0.00001 and 0.00002; ExAC 0.00001; gnomAD 0.00001; TOPMed 0.00001; ESP Exome Variant Server 0.00008.

Submissions (3):

Labcorp Genetics (formerly Invitae), Labcorp
Classification: Pathogenic for Mitochondrial trifunctional protein deficiency. Last evaluated: 2025-06-20. Review status: criteria provided, single submitter. Criteria: Invitae Variant Classification Sherloc (09022015). Collection method: clinical testing. Allele origin: germline.
Comment: This sequence change creates a premature translational stop signal (p.Ala233Argfs*12) in the HADHB gene. It is expected to result in an absent or disrupted protein product. Loss-of-function variants in HADHB are known to be pathogenic (PMID: 9259266, 12754706). This variant is present in population databases (rs745646607, gnomAD 0.0009%). This variant has not been reported in the literature in individuals affected with HADHB-related conditions. ClinVar contains an entry for this variant (Variation ID: 431822). For these reasons, this variant has been classified as Pathogenic.

Baylor Genetics
Classification: Likely pathogenic for Mitochondrial trifunctional protein deficiency 1. Last evaluated: 2024-03-03. Review status: criteria provided, single submitter. Criteria: ACMG Guidelines, 2015. Collection method: clinical testing. Allele origin: unknown.

GeneDx
Classification: Pathogenic. Last evaluated: 2018-08-17. Review status: criteria provided, single submitter. Criteria: GeneDx Variant Classification (06012015). Collection method: clinical testing. Allele origin: germline. Affected: yes.
Comment: The c.693_696dupCGCT variant has not been published as a pathogenic variant, nor has it been reported as a benign variant to our knowledge. The c.693_696dupCGCT variant is not observed at a significant frequency in large population cohorts (Lek et al., 2016; 1000 Genomes Consortium et al., 2015; Exome Variant Server). The c.693_696dupCGCT variant causes a frameshift starting with codon Alanine 233, changes this amino acid to an Arginine residue and creates a premature Stop codon at position 12 of the new reading frame, denoted p.Ala233ArgfsX12. This variant is predicted to cause loss of normal protein function either through protein truncation or nonsense-mediated mRNA decay. In summary, we interpret this variant as pathogenic.

Literature cited by the submitters: PubMed 9259266 (cited by Labcorp Genetics (formerly Invitae), Labcorp); PubMed 12754706 (cited by Labcorp Genetics (formerly Invitae), Labcorp).

NM_000183.3(HADHB):c.693_696dup (p.Ala233fs)

Gene: HADHB (hydroxyacyl-CoA dehydrogenase trifunctional multienzyme complex subunit beta; plus strand). Cytogenetic location: 2p23.3.
Variant type: Duplication.
Coding change: c.693_696dup on transcript NM_000183.3 (MANE Select); coding-DNA positions 693 to 696, 4 bases duplicated (CGCT; older notation c.693_696dupCGCT).
Protein change: p.Ala233fs; shifts the reading frame from alanine 233.
Molecular consequence: frameshift variant.
Genome position (GRCh38, 1-based): chr2:26,279,197-26,279,200, CGCT duplicated. VCF-style (leftmost placement, unchanged base first): chr2-26279196-C-CCGCT. GRCh37 (hg19) VCF-style: chr2-26502064-C-CCGCT.
Other names: c.648_651dup, p.Ala218fs (NM_001281512.2); c.627_630dup, p.Ala211fs (NM_001281513.2); c.693_696dupCGCT (NM_000183.2); short protein forms A218fs, A233fs, A211fs.
Identifiers: ClinVar variation 431822 (VCV000431822.10), dbSNP rs745646607, ClinGen allele CA1560316.